The following is an entry in ClinVar:

NM_000059.4(BRCA2):c.4430T>C (p.Ile1477Thr)

Gene: BRCA2 (BRCA2 DNA repair associated; plus strand). Cytogenetic location: 13q13.1.
Variant type: single nucleotide variant.
Coding change: c.4430T>C on transcript NM_000059.4 (MANE Select); coding-DNA position 4430, T replaced by C.
Protein change: p.Ile1477Thr; replaces isoleucine 1477 with threonine.
Molecular consequence: missense variant.
Genome position (GRCh38, 1-based): chr13:32,338,785, T>C. VCF-style: chr13-32338785-T-C. GRCh37 (hg19) VCF-style: chr13-32912922-T-C.
Other names: short protein forms I1477T.
Identifiers: ClinVar variation 481533 (VCV000481533.11), dbSNP rs1555283775, ClinGen allele CA387781289.
Genomic context (GRCh38, chr13:32,338,785, plus strand): 5'-TGCATAACTTTTCCTTAAATTCTGAATTACATTCTGACATAAGAAAGAACAAAATGGACA[T>C]TCTAAGTTATGAGGAAACAGACATAGTTAAACACAAAATACTGAAAGAAAGTGTCCCAGT-3'
Protein context (NP_000050.3, residues 1467-1487): HSDIRKNKMD[Ile1477Thr]LSYEETDIVK

ClinVar aggregate classification (germline): Conflicting classifications of pathogenicity. Review status: criteria provided, conflicting classifications (1 of 4 stars). 4 submissions from 4 submitters: Uncertain significance (2); Likely benign (1). 1 of the submissions does not count toward it. Last evaluated 2025-06-23.

Conditions:
Hereditary cancer-predisposing syndrome. Also called: Neoplastic Syndromes, Hereditary; Tumor predisposition; Hereditary Cancer Syndrome; Hereditary neoplastic syndrome. Identifiers: Orphanet 140162, MedGen C0027672, MeSH D009386, MONDO:0015356.
Familial cancer of breast. Also called: BREAST CANCER, FAMILIAL; Hereditary breast cancer; hereditary breast carcinoma. Identifiers: Orphanet 227535, MedGen C0346153, MONDO:0016419, OMIM 114480. Disease mechanism: loss of function.
Hereditary breast ovarian cancer syndrome. Also called: Hereditary breast and ovarian cancer syndrome; Hereditary breast and ovarian cancer; Hereditary breast and ovarian cancer syndrome (HBOC); Breast and ovarian cancer; Hereditary breast and/or ovarian cancer syndrome; BRCA1- and BRCA2-Associated Hereditary Breast and Ovarian Cancer. Identifiers: Orphanet 145, MedGen C0677776, MeSH D061325, MONDO:0003582. Disease mechanism: loss of function.

Allele frequency attached by ClinVar (database versions not stated): gnomAD exomes below 0.00001.
gnomAD v4.1: 1 of 1,612,834 alleles (0.000062%); highest among the groups gnomAD compares: East Asian, 0.0022%; no homozygotes.

Submissions (4):

Labcorp Genetics (formerly Invitae), Labcorp
Classification: Uncertain significance for Hereditary breast ovarian cancer syndrome. Last evaluated: 2025-06-23. Review status: criteria provided, single submitter. Criteria: Invitae Variant Classification Sherloc (09022015). Collection method: clinical testing. Allele origin: germline.
Comment: This sequence change replaces isoleucine, which is neutral and non-polar, with threonine, which is neutral and polar, at codon 1477 of the BRCA2 protein (p.Ile1477Thr). This variant is not present in population databases (gnomAD no frequency). This missense change has been observed in individual(s) with breast and/or ovarian cancer (PMID: 35918668). ClinVar contains an entry for this variant (Variation ID: 481533). Invitae Evidence Modeling of protein sequence and biophysical properties (such as structural, functional, and spatial information, amino acid conservation, physicochemical variation, residue mobility, and thermodynamic stability) indicates that this missense variant is not expected to disrupt BRCA2 protein function with a negative predictive value of 95%. In summary, the available evidence is currently insufficient to determine the role of this variant in disease. Therefore, it has been classified as a Variant of Uncertain Significance.

Ambry Genetics
Classification: Uncertain significance for Hereditary cancer-predisposing syndrome. Last evaluated: 2024-05-02. Review status: criteria provided, single submitter. Criteria: Ambry Variant Classification Scheme 2023. Collection method: clinical testing. Allele origin: germline.
Comment: The p.I1477T variant (also known as c.4430T>C), located in coding exon 10 of the BRCA2 gene, results from a T to C substitution at nucleotide position 4430. The isoleucine at codon 1477 is replaced by threonine, an amino acid with similar properties. This alteration was detected in 1/1664 Chinese Hakka patients with breast and/or ovarian cancer (Zhang Y et al. BMC Cancer, 2022 Aug;22:842). This amino acid position is not well conserved in available vertebrate species. In addition, this alteration is predicted to be tolerated by in silico analysis. Based on the available evidence, the clinical significance of this variant remains unclear.

University of Washington Department of Laboratory Medicine, University of Washington
Classification: Likely benign for Hereditary cancer-predisposing syndrome. Last evaluated: 2023-03-23. Review status: criteria provided, single submitter. Criteria: Dines et al. (Genet Med. 2020). Collection method: curation. Allele origin: germline.
Comment: Missense variant in a coldspot region where missense variants are very unlikely to be pathogenic (PMID:31911673).

BRCA2 exon 11 coldspot. Reclassification based on statistical prior probability.

Center for Precision Medicine, Meizhou People's Hospital
Classification: Uncertain significance for Familial cancer of breast. Review status: no assertion criteria provided. Collection method: curation. Allele origin: germline. Affected: yes. Not counted in ClinVar's aggregate classification.

Literature cited by the submitters: PubMed 35918668 (cited by Labcorp Genetics (formerly Invitae), Labcorp and Ambry Genetics).